The following is an entry in ClinVar:

ClinVar aggregate classification (germline): Uncertain significance (1 of 4 stars; one submission).

Conditions:
Brugada syndrome 8 (BRGDA8). Identifiers: Orphanet 130, MedGen C2751083, MONDO:0013148, OMIM 613123.

Submission:

Labcorp Genetics (formerly Invitae), Labcorp
Classification: Uncertain significance for Brugada syndrome 8. Last evaluated: 2023-02-01. Review status: criteria provided, single submitter. Criteria: Invitae Variant Classification Sherloc (09022015). Collection method: clinical testing. Allele origin: germline.
Comment: This sequence change replaces threonine, which is neutral and polar, with proline, which is neutral and non-polar, at codon 851 of the HCN4 protein (p.Thr851Pro). This variant is not present in population databases (gnomAD no frequency). This variant has not been reported in the literature in individuals affected with HCN4-related conditions. Advanced modeling of protein sequence and biophysical properties (such as structural, functional, and spatial information, amino acid conservation, physicochemical variation, residue mobility, and thermodynamic stability) performed at Invitae indicates that this missense variant is not expected to disrupt HCN4 protein function. In summary, the available evidence is currently insufficient to determine the role of this variant in disease. Therefore, it has been classified as a Variant of Uncertain Significance.

NM_005477.3(HCN4):c.2551A>C (p.Thr851Pro)

Gene: HCN4 (hyperpolarization activated cyclic nucleotide gated potassium channel 4; minus strand). Cytogenetic location: 15q24.1.
Variant type: single nucleotide variant.
Coding change: c.2551A>C on transcript NM_005477.3 (MANE Select); coding-DNA position 2551, A replaced by C.
Protein change: p.Thr851Pro; replaces threonine 851 with proline.
Molecular consequence: missense variant.
Genome position (GRCh38, 1-based): chr15:73,323,542, T>G on the plus strand (A>C on the coding strand, the complement: HCN4 is on the minus strand). VCF-style: chr15-73323542-T-G. GRCh37 (hg19) VCF-style: chr15-73615883-T-G.
Other names: short protein forms T851P.
Identifiers: ClinVar variation 2833826 (VCV002833826.3), dbSNP rs1555475302, ClinGen allele CA393088675.